The following is an entry in ClinVar:

NM_006939.4(SOS2):c.998T>C (p.Val333Ala)

Gene: SOS2 (SOS Ras/Rho guanine nucleotide exchange factor 2; minus strand). Cytogenetic location: 14q21.3.
Variant type: single nucleotide variant.
Coding change: c.998T>C on transcript NM_006939.4 (MANE Select); coding-DNA position 998, T replaced by C.
Protein change: p.Val333Ala; replaces valine 333 with alanine.
Molecular consequence: missense variant. On other transcripts: intron variant (1).
Genome position (GRCh38, 1-based): chr14:50,174,524, A>G on the plus strand (T>C on the coding strand, the complement: SOS2 is on the minus strand). VCF-style: chr14-50174524-A-G. GRCh37 (hg19) VCF-style: chr14-50641242-A-G.
Other names: c.969+6048T>C (NM_001411020.1); short protein forms V333A.
Identifiers: ClinVar variation 2448244 (VCV002448244.2), dbSNP rs1415081233, ClinGen allele CA389646821.

ClinVar aggregate classification (germline): Uncertain significance (1 of 4 stars; one submission).

Conditions:
Cardiovascular phenotype. Identifiers: MedGen CN230736.

Allele frequency attached by ClinVar (database versions not stated): gnomAD 0.00001.
gnomAD v4.1: 2 of 1,609,502 alleles (0.00012%); highest among the groups gnomAD compares: Non-Finnish European, 0.00017%; no homozygotes.

Submission:

Ambry Genetics
Classification: Uncertain significance for Cardiovascular phenotype. Last evaluated: 2022-12-06. Review status: criteria provided, single submitter. Criteria: Ambry Variant Classification Scheme 2023. Collection method: clinical testing. Allele origin: germline.
Comment: The p.V333A variant (also known as c.998T>C), located in coding exon 8 of the SOS2 gene, results from a T to C substitution at nucleotide position 998. The valine at codon 333 is replaced by alanine, an amino acid with similar properties. This amino acid position is conserved. In addition, the in silico prediction for this alteration is inconclusive. Since supporting evidence is limited at this time, the clinical significance of this alteration remains unclear.